The following is an entry in ClinVar:

NM_015378.4(VPS13D):c.2007G>T (p.Val669=)

Gene: VPS13D (vacuolar protein sorting 13 homolog D; plus strand). Cytogenetic location: 1p36.22.
Variant type: single nucleotide variant.
Coding change: c.2007G>T on transcript NM_015378.4 (MANE Select); coding-DNA position 2007, G replaced by T.
Protein change: p.Val669=; no amino-acid change (valine 669 retained).
Molecular consequence: synonymous variant.
Genome position (GRCh38, 1-based): chr1:12,271,028, G>T. VCF-style: chr1-12271028-G-T. GRCh37 (hg19) VCF-style: chr1-12331085-G-T.
Other names: c.2007G>T, p.Val669= (NM_018156.4).
Identifiers: ClinVar variation 4873001 (VCV004873001.2).

ClinVar aggregate classification (germline): Likely benign (1 of 4 stars; one submission).

gnomAD v4.1: 31 of 1,613,794 alleles (0.0019%); highest among the groups gnomAD compares: Admixed American, 0.03%; no homozygotes.

Submission:

CeGaT Center for Human Genetics Tuebingen
Classification: Likely benign. Last evaluated: 2026-04-01. Review status: criteria provided, single submitter. Criteria: CeGaT Center For Human Genetics Tuebingen Variant Classification Criteria Version 2. Collection method: clinical testing. Allele origin: germline. Affected: yes. Observed: 1 variant allele.
Comment: VPS13D: BP4, BP7